The following is an entry in ClinVar:

NM_000514.4(GDNF):c.*2014G>A

Gene: GDNF (glial cell derived neurotrophic factor; minus strand). Cytogenetic location: 5p13.2.
Variant type: single nucleotide variant.
Coding change: c.*2014G>A on transcript NM_000514.4 (MANE Select); 2014 bases downstream of the stop codon, G replaced by A.
Molecular consequence: 3 prime UTR variant.
Genome position (GRCh38, 1-based): chr5:37,813,637, C>T on the plus strand (G>A on the coding strand, the complement: GDNF is on the minus strand). VCF-style: chr5-37813637-C-T. GRCh37 (hg19) VCF-style: chr5-37813739-C-T.
Other names: c.*2014G>A (NM_001190468.1, NM_001190469.1, NM_001278098.1 and 1 more transcripts).
Identifiers: ClinVar variation 353483 (VCV000353483.5), dbSNP rs530864008, ClinGen allele CA10624705.
Genomic context (GRCh38, chr5:37,813,637, plus strand): 5'-TTTTTTTGAGACAGGGTACCGCACTGTCACTTAGGCTGGAGTGCAGTGGCATGATCACAG[C>T]TCACTGCAGCCTCGACCTTCTGGACTCAAGTGATCCTCCTTCAGCCTCTTGAGTAGCTGG-3'

ClinVar aggregate classification (germline): Likely benign (1 of 4 stars; one submission).

Conditions:
Hirschsprung disease, susceptibility to, 3. Identifiers: Orphanet 388, MedGen C3150974, MONDO:0013383, OMIM 613711.

Allele frequency attached by ClinVar (database versions not stated): 1000 Genomes Project 30x 0.00031; 1000 Genomes Project 0.00040; gnomAD 0.00114 and 0.00116; TOPMed 0.00118.

Submission:

Illumina Laboratory Services, Illumina
Classification: Likely benign for Hirschsprung disease, susceptibility to, 3. Last evaluated: 2018-01-12. Review status: criteria provided, single submitter. Criteria: ICSL Variant Classification Criteria 13 December 2019. Collection method: clinical testing. Allele origin: germline.
Comment: This variant was observed in the ICSL laboratory as part of a predisposition screen in an ostensibly healthy population. It had not been previously curated by ICSL or reported in the Human Gene Mutation Database (HGMD: prior to June 1st, 2018), and was therefore a candidate for classification through an automated scoring system. Utilizing variant allele frequency, disease prevalence and penetrance estimates, and inheritance mode, an automated score was calculated to assess if this variant is too frequent to cause the disease. Based on the score and internal cut-off values, a variant classified as likely benign is not then subjected to further curation. The score for this variant resulted in a classification of likely benign for this disease.